The following is an entry in ClinVar:

NM_001876.4(CPT1A):c.357_358insTTATC (p.Val120fs)

Gene: CPT1A (carnitine palmitoyltransferase 1A; minus strand). Cytogenetic location: 11q13.3.
Variant type: Insertion.
Coding change: c.357_358insTTATC on transcript NM_001876.4 (MANE Select); coding-DNA positions 357 to 358, TTATC inserted.
Protein change: p.Val120fs; shifts the reading frame from valine 120.
Molecular consequence: frameshift variant.
Genome position: GRCh38 VCF-style: chr11-68807562-C-CGATAA. GRCh37 (hg19) VCF-style: chr11-68575030-C-CGATAA.
Other names: c.357_358insTTATC, p.Val120fs (NM_001031847.3); short protein forms V120fs.
Identifiers: ClinVar variation 1726858 (VCV001726858.2), dbSNP rs2495663386, ClinGen allele CA2580084759.
Genomic context (GRCh38, chr11:68,807,562, plus strand): 5'-GCTCAGTGAACATCCACCCGTGGTAGGAGAGCAGCACTTTCAGGGAGTAGCGCATGGTGA[C>CGATAA]GATGAGGGCCACCCACAGGCCGGTGCCAAACAGCACGCCGCTGACCACGTTCTTCGTCTG-3'

ClinVar aggregate classification (germline): Likely pathogenic (1 of 4 stars; one submission).

Conditions:
Carnitine palmitoyl transferase 1A deficiency. Also called: CPT I DEFICIENCY; CPT DEFICIENCY, HEPATIC, TYPE I; Carnitine palmitoyltransferase type I deficiency; CPT deficiency, hepatic, type IA; Carnitine palmitoyltransferase 1A deficiency. Identifiers: Orphanet 156, MedGen C1829703, MONDO:0009705, OMIM 255120.

Submission:

Myriad Genetics, Inc.
Classification: Likely pathogenic for Carnitine palmitoyl transferase 1A deficiency. Last evaluated: 2022-01-02. Review status: criteria provided, single submitter. Criteria: Myriad Women's Health Autosomal Recessive and X-Linked Classification Criteria (2021). Collection method: clinical testing. Allele origin: unknown.
Comment: NM_001876.3(CPT1A):c.357_358ins5(V120Lfs*9) is expected to be pathogenic in the context of carnitine palmitoyltransferase IA deficiency. This variant is predicted to lead to an abnormal or absent protein product due to the creation of a premature termination codon in CPT1A, a gene where loss-of-function variants are known to be pathogenic. Please note: this variant was assessed in the context of healthy population screening.